The following is an entry in ClinVar:

ClinVar aggregate classification (germline): Uncertain significance (1 of 4 stars; one submission).

Conditions:
Epilepsy. Also called: Seizure disorder. Identifiers: MedGen C0014544, MeSH D004827, MONDO:0005027.

Submission:

Labcorp Genetics (formerly Invitae), Labcorp
Classification: Uncertain significance for Epilepsy. Last evaluated: 2022-02-03. Review status: criteria provided, single submitter. Criteria: Invitae Variant Classification Sherloc (09022015). Collection method: clinical testing. Allele origin: germline.
Comment: In summary, the available evidence is currently insufficient to determine the role of this variant in disease. Therefore, it has been classified as a Variant of Uncertain Significance. Algorithms developed to predict the effect of missense changes on protein structure and function are either unavailable or do not agree on the potential impact of this missense change (SIFT: "Not Available"; PolyPhen-2: "Probably Damaging"; Align-GVGD: "Not Available"). ClinVar contains an entry for this variant (Variation ID: 956711). This variant has not been reported in the literature in individuals affected with PIGQ-related conditions. Information on the frequency of this variant in the gnomAD database is not available, as this variant may be reported differently in the database. This sequence change replaces cysteine, which is neutral and slightly polar, with phenylalanine, which is neutral and non-polar, at codon 213 of the PIGQ protein (p.Cys213Phe).

NM_004204.5(PIGQ):c.638_639delinsTT (p.Cys213Phe)

Gene: PIGQ (phosphatidylinositol glycan anchor biosynthesis class Q; plus strand). Cytogenetic location: 16p13.3.
Variant type: Indel.
Coding change: c.638_639delinsTT on transcript NM_004204.5 (MANE Select); coding-DNA positions 638 to 639, GC replaced by TT.
Protein change: p.Cys213Phe; replaces cysteine 213 with phenylalanine.
Molecular consequence: missense variant.
Genome position (GRCh38, 1-based): chr16:574,712-574,713, GC replaced by TT. VCF-style: chr16-574712-GC-TT. GRCh37 (hg19) VCF-style: chr16-624712-GC-TT.
Other names: c.638_639delinsTT, p.Cys213Phe (NM_148920.4); short protein forms C213F.
Identifiers: ClinVar variation 956711 (VCV000956711.7), dbSNP rs2035691564, ClinGen allele CA1139664220.